The following is an entry in ClinVar:

NM_032737.4(LMNB2):c.1657A>C (p.Ser553Arg)

Gene: LMNB2 (lamin B2; minus strand). Cytogenetic location: 19p13.3.
Variant type: single nucleotide variant.
Coding change: c.1657A>C on transcript NM_032737.4 (MANE Select); coding-DNA position 1657, A replaced by C.
Protein change: p.Ser553Arg; replaces serine 553 with arginine.
Molecular consequence: missense variant.
Genome position (GRCh38, 1-based): chr19:2,431,836, T>G on the plus strand (A>C on the coding strand, the complement: LMNB2 is on the minus strand). VCF-style: chr19-2431836-T-G. GRCh37 (hg19) VCF-style: chr19-2431834-T-G.
Other names: short protein forms S553R.
Identifiers: ClinVar variation 3755080 (VCV003755080.2).

ClinVar aggregate classification (germline): Uncertain significance (1 of 4 stars; one submission).

Conditions:
Progressive myoclonic epilepsy type 9. Identifiers: Orphanet 457265, MedGen C4225289, MONDO:0014685, OMIM 616540.
Lipodystrophy, partial, acquired, susceptibility to (APLD). Also called: APLD, SUSCEPTIBILITY TO. Identifiers: MedGen C3887501, MONDO:0100476, OMIM 608709.

Submission:

Labcorp Genetics (formerly Invitae), Labcorp
Classification: Uncertain significance for Progressive myoclonic epilepsy type 9; Lipodystrophy, partial, acquired, susceptibility to. Last evaluated: 2024-03-10. Review status: criteria provided, single submitter. Criteria: Invitae Variant Classification Sherloc (09022015). Collection method: clinical testing. Allele origin: germline.
Comment: This sequence change replaces serine, which is neutral and polar, with arginine, which is basic and polar, at codon 553 of the LMNB2 protein (p.Ser553Arg). This variant is not present in population databases (gnomAD no frequency). This variant has not been reported in the literature in individuals affected with LMNB2-related conditions. Advanced modeling of protein sequence and biophysical properties (such as structural, functional, and spatial information, amino acid conservation, physicochemical variation, residue mobility, and thermodynamic stability) performed at Invitae indicates that this missense variant is not expected to disrupt LMNB2 protein function with a negative predictive value of 80%. In summary, the available evidence is currently insufficient to determine the role of this variant in disease. Therefore, it has been classified as a Variant of Uncertain Significance.